The following is an entry in ClinVar:

ClinVar aggregate classification (germline): Benign. Review status: criteria provided, single submitter (1 of 4 stars). 2 submissions from 2 submitters: Benign (1). 1 of the submissions does not count toward it. Last evaluated 2025-10-19.

Conditions:
HSPB8-related disorder. Also called: HSPB8-related condition.
Charcot-Marie-Tooth disease axonal type 2L. Also called: CHARCOT-MARIE-TOOTH DISEASE, AXONAL, AUTOSOMAL DOMINANT, TYPE 2L; CHARCOT-MARIE-TOOTH NEUROPATHY, AXONAL, TYPE 2L; Charcot-Marie-Tooth Neuropathy Type 2L. Identifiers: Orphanet 99945, MedGen C1837552, MONDO:0012096, OMIM 608673.

Allele frequency attached by ClinVar (database versions not stated): 1000 Genomes Project 30x 0.00016; gnomAD 0.00040 and 0.00046; TOPMed 0.00040; ESP Exome Variant Server 0.00062; gnomAD exomes 0.00003 and 0.00011; ExAC 0.00014; 1000 Genomes Project 0.00020.
gnomAD v4.1: 107 of 1,614,100 alleles (0.0066%); highest among the groups gnomAD compares: African/African-American, 0.13%; no homozygotes.

Submissions (2):

Labcorp Genetics (formerly Invitae), Labcorp
Classification: Benign for Charcot-Marie-Tooth disease axonal type 2L. Last evaluated: 2025-10-19. Review status: criteria provided, single submitter. Criteria: Invitae Variant Classification Sherloc (09022015). Collection method: clinical testing. Allele origin: germline.

PreventionGenetics, part of Exact Sciences
Classification: Likely benign for HSPB8-related condition. Last evaluated: 2021-11-22. Review status: no assertion criteria provided. Collection method: clinical testing. Allele origin: germline. Not counted in ClinVar's aggregate classification.
Comment: This variant is classified as likely benign based on ACMG/AMP sequence variant interpretation guidelines (Richards et al. 2015 PMID: 25741868, with internal and published modifications).

NM_014365.3(HSPB8):c.171C>T (p.Ser57=)

Gene: HSPB8 (heat shock protein family B (small) member 8; plus strand). Cytogenetic location: 12q24.23.
Variant type: single nucleotide variant.
Coding change: c.171C>T on transcript NM_014365.3 (MANE Select); coding-DNA position 171, C replaced by T.
Protein change: p.Ser57=; no amino-acid change (serine 57 retained).
Molecular consequence: synonymous variant.
Genome position (GRCh38, 1-based): chr12:119,179,483, C>T. VCF-style: chr12-119179483-C-T. GRCh37 (hg19) VCF-style: chr12-119617288-C-T.
Identifiers: ClinVar variation 696431 (VCV000696431.13), dbSNP rs143010542, ClinGen allele CA6819511.